The following is an entry in ClinVar:

NM_001165963.4(SCN1A):c.5461C>A (p.Gln1821Lys)

Genes: SCN1A (sodium voltage-gated channel alpha subunit 1; minus strand), LOC102724058 (uncharacterized LOC102724058; plus strand). Cytogenetic location: 2q24.3.
Variant type: single nucleotide variant.
Coding change: c.5461C>A on transcript NM_001165963.4 (MANE Select); coding-DNA position 5461, C replaced by A.
Protein change: p.Gln1821Lys; replaces glutamine 1821 with lysine.
Molecular consequence: missense variant. On other transcripts: non-coding transcript variant (1).
Genome position (GRCh38, 1-based): chr2:165,991,814, G>T on the plus strand (C>A on the coding strand, the complement: SCN1A is on the minus strand). VCF-style: chr2-165991814-G-T. GRCh37 (hg19) VCF-style: chr2-166848324-G-T.
Other names: c.5377C>A, p.Gln1793Lys (NM_001165964.3, NM_001353957.2, NM_001353958.2); c.5461C>A, p.Gln1821Lys (NM_001202435.3, NM_001353948.2); c.5428C>A, p.Gln1810Lys (NM_001353949.2, NM_001353950.2, NM_001353951.2 and 2 more transcripts); c.5425C>A, p.Gln1809Lys (NM_001353954.2, NM_001353955.2); c.5374C>A, p.Gln1792Lys (NM_001353960.2); c.3019C>A, p.Gln1007Lys (NM_001353961.2); short protein forms Q1793K, Q1810K, Q1821K, Q1007K, Q1809K, Q1792K.
Identifiers: ClinVar variation 2698238 (VCV002698238.3), dbSNP rs794726781, ClinGen allele CA349067448.

ClinVar aggregate classification (germline): Uncertain significance (1 of 4 stars; one submission).

Conditions:
Early-infantile DEE. Also called: Ohtahara syndrome; Early infantile epileptic encephalopathy with suppression bursts; Early infantile epileptic encephalopathy. Identifiers: Orphanet 1934, MedGen C0393706, MONDO:0800491.

Submission:

Labcorp Genetics (formerly Invitae), Labcorp
Classification: Uncertain significance for Early-infantile DEE. Last evaluated: 2023-11-24. Review status: criteria provided, single submitter. Criteria: Invitae Variant Classification Sherloc (09022015). Collection method: clinical testing. Allele origin: germline.
Comment: This sequence change replaces glutamine, which is neutral and polar, with lysine, which is basic and polar, at codon 1821 of the SCN1A protein (p.Gln1821Lys). This variant is not present in population databases (gnomAD no frequency). This variant has not been reported in the literature in individuals affected with SCN1A-related conditions. Advanced modeling of protein sequence and biophysical properties (such as structural, functional, and spatial information, amino acid conservation, physicochemical variation, residue mobility, and thermodynamic stability) performed at Invitae indicates that this missense variant is expected to disrupt SCN1A protein function with a positive predictive value of 95%. In summary, the available evidence is currently insufficient to determine the role of this variant in disease. Therefore, it has been classified as a Variant of Uncertain Significance.